The following is an entry in ClinVar:

ClinVar aggregate classification (germline): Uncertain significance (1 of 4 stars; one submission).

Submission:

Labcorp Genetics (formerly Invitae), Labcorp
Classification: Uncertain significance. Last evaluated: 2024-03-20. Review status: criteria provided, single submitter. Criteria: Invitae Variant Classification Sherloc (09022015). Collection method: clinical testing. Allele origin: germline.
Comment: This sequence change replaces asparagine, which is neutral and polar, with aspartic acid, which is acidic and polar, at codon 499 of the LRP5 protein (p.Asn499Asp). This variant is not present in population databases (gnomAD no frequency). This variant has not been reported in the literature in individuals affected with LRP5-related conditions. Advanced modeling of protein sequence and biophysical properties (such as structural, functional, and spatial information, amino acid conservation, physicochemical variation, residue mobility, and thermodynamic stability) performed at Invitae indicates that this missense variant is not expected to disrupt LRP5 protein function with a negative predictive value of 95%. In summary, the available evidence is currently insufficient to determine the role of this variant in disease. Therefore, it has been classified as a Variant of Uncertain Significance.

NM_002335.4(LRP5):c.1495A>G (p.Asn499Asp)

Gene: LRP5 (LDL receptor related protein 5; plus strand). Cytogenetic location: 11q13.2.
Variant type: single nucleotide variant.
Coding change: c.1495A>G on transcript NM_002335.4 (MANE Select); coding-DNA position 1495, A replaced by G.
Protein change: p.Asn499Asp; replaces asparagine 499 with aspartic acid.
Molecular consequence: missense variant. On other transcripts: intron variant (1).
Genome position (GRCh38, 1-based): chr11:68,389,963, A>G. VCF-style: chr11-68389963-A-G. GRCh37 (hg19) VCF-style: chr11-68157431-A-G.
Other names: c.-354+3251A>G (NM_001291902.2); short protein forms N499D.
Identifiers: ClinVar variation 3634232 (VCV003634232.2).
Genomic context (GRCh38, chr11:68,389,963, plus strand): 5'-GGAGAGAACCCTAAAATCGAGTGTGCCAACTTGGATGGGCAGGAGCGGCGTGTGCTGGTC[A>G]ATGCCTCCCTCGGGTGGCCCAACGGCCTGGCCCTGGACCTGCAGGAGGGGAAGCTCTACT-3'
Protein context (NP_002326.2, residues 489-509): LDGQERRVLV[Asn499Asp]ASLGWPNGLA